The following is an entry in ClinVar:

ClinVar aggregate classification (germline): Uncertain significance. Review status: criteria provided, multiple submitters, no conflicts (2 of 4 stars). 2 submissions from 2 submitters: Uncertain significance (2). Last evaluated 2025-06-29.

gnomAD v4.1: 18 of 1,613,752 alleles (0.0011%); highest among the groups gnomAD compares: Non-Finnish European, 0.0015%; no homozygotes.

Submissions (2):

Labcorp Genetics (formerly Invitae), Labcorp
Classification: Uncertain significance. Last evaluated: 2025-06-29. Review status: criteria provided, single submitter. Criteria: Invitae Variant Classification Sherloc (09022015). Collection method: clinical testing. Allele origin: germline.
Comment: This sequence change replaces isoleucine, which is neutral and non-polar, with methionine, which is neutral and non-polar, at codon 176 of the RSPO2 protein (p.Ile176Met). This variant is present in population databases (rs200806324, gnomAD 0.0009%). This variant has not been reported in the literature in individuals affected with RSPO2-related conditions. ClinVar contains an entry for this variant (Variation ID: 3435864). Invitae Evidence Modeling of protein sequence and biophysical properties (such as structural, functional, and spatial information, amino acid conservation, physicochemical variation, residue mobility, and thermodynamic stability) indicates that this missense variant is not expected to disrupt RSPO2 protein function with a negative predictive value of 80%. In summary, the available evidence is currently insufficient to determine the role of this variant in disease. Therefore, it has been classified as a Variant of Uncertain Significance.

Ambry Genetics
Classification: Uncertain significance. Last evaluated: 2024-10-19. Review status: criteria provided, single submitter. Criteria: Ambry Variant Classification Scheme 2023. Collection method: clinical testing. Allele origin: germline.

NM_178565.5(RSPO2):c.528T>G (p.Ile176Met)

Gene: RSPO2 (R-spondin 2; minus strand). Cytogenetic location: 8q23.1.
Variant type: single nucleotide variant.
Coding change: c.528T>G on transcript NM_178565.5 (MANE Select); coding-DNA position 528, T replaced by G.
Protein change: p.Ile176Met; replaces isoleucine 176 with methionine.
Molecular consequence: missense variant.
Genome position (GRCh38, 1-based): chr8:107,958,168, A>C on the plus strand (T>G on the coding strand, the complement: RSPO2 is on the minus strand). VCF-style: chr8-107958168-A-C. GRCh37 (hg19) VCF-style: chr8-108970396-A-C.
Other names: c.336T>G, p.Ile112Met (NM_001282863.2); c.327T>G, p.Ile109Met (NM_001317942.2); short protein forms I112M, I176M, I109M.
Identifiers: ClinVar variation 3435864 (VCV003435864.2).
Genomic context (GRCh38, chr8:107,958,168, plus strand): 5'-GCATCTCCTGGATTCAGCAATGGTTGGACACAGTATTGTGTCTTTCACTGGCTTTTTAAC[A>C]ATTTGCCGTGTTCTGGTTTCCAGACCCCATTTAAATCCACATGTGCGATTATTTCTGCTA-3'
Protein context (NP_848660.3, residues 166-186): KWGLETRTRQ[Ile176Met]VKKPVKDTIL